The following is an entry in ClinVar:

ClinVar aggregate classification (germline): Uncertain significance (1 of 4 stars; one submission).

gnomAD v4.1: 4 of 1,613,938 alleles (0.00025%); highest among the groups gnomAD compares: African/African-American, 0.0013%; no homozygotes.

Submission:

Mayo Clinic Laboratories, Mayo Clinic
Classification: Uncertain significance. Last evaluated: 2025-08-27. Review status: criteria provided, single submitter. Criteria: ACMG Guidelines, 2015. Collection method: clinical testing. Allele origin: germline. Observed: 1 variant allele.
Comment: PM2_supporting

NM_001129.5(AEBP1):c.2678A>G (p.Asn893Ser)

Gene: AEBP1 (AE binding protein 1; plus strand). Cytogenetic location: 7p13.
Variant type: single nucleotide variant.
Coding change: c.2678A>G on transcript NM_001129.5 (MANE Select); coding-DNA position 2678, A replaced by G.
Protein change: p.Asn893Ser; replaces asparagine 893 with serine.
Molecular consequence: missense variant.
Genome position (GRCh38, 1-based): chr7:44,113,099, A>G. VCF-style: chr7-44113099-A-G. GRCh37 (hg19) VCF-style: chr7-44152698-A-G.
Other names: p.Asn893Ser; short protein forms N893S.
Identifiers: ClinVar variation 4541283 (VCV004541283.1).
Genomic context (GRCh38, chr7:44,113,099, plus strand): 5'-TCTACCTGGGCTGTGACAAGTTCCCTCATGAGAGTGAGCTGCCCCGCGAGTGGGAGAACA[A>G]CAAGGAGGCGCTGCTCACCTTCATGGAGCAGGTGGGGTGGCTAGGGCAATGCCTGGGGAG-3'
Protein context (NP_001120.3, residues 883-903): ESELPREWEN[Asn893Ser]KEALLTFMEQ